The following is an entry in ClinVar:

NM_000501.4(ELN):c.590del (p.Gly197fs)

Gene: ELN (elastin; plus strand). Cytogenetic location: 7q11.23.
Variant type: Deletion.
Coding change: c.590del on transcript NM_000501.4 (MANE Select); coding-DNA position 590, one base deleted (G; older notation c.590delG).
Protein change: p.Gly197fs; shifts the reading frame from glycine 197.
Molecular consequence: frameshift variant.
Genome position (GRCh38, 1-based): chr7:74,046,714, G deleted; the last of 5 consecutive G bases (chr7:74,046,710-74,046,714); deleting any one gives the same sequence. VCF-style (leftmost placement, unchanged base first): chr7-74046709-TG-T. GRCh37 (hg19) VCF-style: chr7-73461039-TG-T.
Other names: c.590delG (NM_000501.2); c.560del, p.Gly187fs (NM_001081752.3, NM_001278917.2); c.605del, p.Gly202fs (NM_001081753.3, NM_001081754.3); c.590del, p.Gly197fs (NM_001081755.3, NM_001278912.2, NM_001278915.2 and 2 more transcripts); c.524del, p.Gly175fs (NM_001278913.2); c.575del, p.Gly192fs (NM_001278914.2); c.458del, p.Gly153fs (NM_001278918.2); short protein forms G187fs, G202fs, G153fs, G192fs, G175fs, G197fs.
Identifiers: ClinVar variation 213195 (VCV000213195.3), dbSNP rs863223526, ClinGen allele CA321008.

ClinVar aggregate classification (germline): Pathogenic (1 of 4 stars; one submission).

Submission:

GeneDx
Classification: Pathogenic. Last evaluated: 2024-11-25. Review status: criteria provided, single submitter. Criteria: GeneDx Variant Classification Process June 2021. Collection method: clinical testing. Allele origin: germline. Affected: yes.
Comment: Frameshift variant predicted to result in protein truncation or nonsense mediated decay in a gene for which loss-of-function is a known mechanism of disease; Has not been previously published as pathogenic or benign to our knowledge; Not observed in large population cohorts (gnomAD)